The following is an entry in ClinVar:

ClinVar aggregate classification (germline): Uncertain significance (1 of 4 stars; one submission).

Conditions:
Encephalopathy, acute, infection-induced (herpes-specific), susceptibility to, 1. Also called: Herpes simplex encephalitis, susceptibility to, 1. Identifiers: Orphanet 1930, MedGen C2750180, MONDO:0024563, OMIM 610551.

Submission:

Labcorp Genetics (formerly Invitae), Labcorp
Classification: Uncertain significance for Encephalopathy, acute, infection-induced (herpes-specific), susceptibility to, 1. Last evaluated: 2023-01-16. Review status: criteria provided, single submitter. Criteria: Invitae Variant Classification Sherloc (09022015). Collection method: clinical testing. Allele origin: germline.
Comment: In summary, the available evidence is currently insufficient to determine the role of this variant in disease. Therefore, it has been classified as a Variant of Uncertain Significance. Algorithms developed to predict the effect of missense changes on protein structure and function are either unavailable or do not agree on the potential impact of this missense change (SIFT: "Deleterious"; PolyPhen-2: "Possibly Damaging"; Align-GVGD: "Class C0"). This variant has not been reported in the literature in individuals affected with TLR3-related conditions. This variant is not present in population databases (gnomAD no frequency). This sequence change replaces threonine, which is neutral and polar, with asparagine, which is neutral and polar, at codon 664 of the TLR3 protein (p.Thr664Asn).

NM_003265.3(TLR3):c.1991C>A (p.Thr664Asn)

Gene: TLR3 (toll like receptor 3; plus strand). Cytogenetic location: 4q35.1.
Variant type: single nucleotide variant.
Coding change: c.1991C>A on transcript NM_003265.3 (MANE Select); coding-DNA position 1991, C replaced by A.
Protein change: p.Thr664Asn; replaces threonine 664 with asparagine.
Molecular consequence: missense variant.
Genome position (GRCh38, 1-based): chr4:186,083,677, C>A. VCF-style: chr4-186083677-C-A. GRCh37 (hg19) VCF-style: chr4-187004831-C-A.
Other names: short protein forms T664N.
Identifiers: ClinVar variation 2829234 (VCV002829234.3), dbSNP rs1304264685, ClinGen allele CA358934702.